The following is an entry in ClinVar:

NM_012330.4(KAT6B):c.3856C>T (p.Gln1286Ter)

Gene: KAT6B (lysine acetyltransferase 6B; plus strand). Cytogenetic location: 10q22.2.
Variant type: single nucleotide variant.
Coding change: c.3856C>T on transcript NM_012330.4 (MANE Select); coding-DNA position 3856, C replaced by T.
Protein change: p.Gln1286Ter; replaces glutamine 1286 with a stop codon.
Molecular consequence: nonsense.
Genome position (GRCh38, 1-based): chr10:75,028,680, C>T. VCF-style: chr10-75028680-C-T. GRCh37 (hg19) VCF-style: chr10-76788438-C-T.
Other names: c.3307C>T, p.Gln1103Ter (NM_001256468.2, NM_001370138.1); c.2980C>T, p.Gln994Ter (NM_001256469.2, NM_001370139.1, NM_001370140.1 and 2 more transcripts); c.2818C>T, p.Gln940Ter (NM_001370132.1); c.2167C>T, p.Gln723Ter (NM_001370133.1); c.1771C>T, p.Gln591Ter (NM_001370134.1); c.1513C>T, p.Gln505Ter (NM_001370135.1); c.3856C>T, p.Gln1286Ter (NM_001370136.1, NM_001370137.1); c.2791C>T, p.Gln931Ter (NM_001370143.1, NM_001370144.1); short protein forms Q940*, Q994*, Q1103*, Q591*, Q723*, Q931*, Q1286*, Q505*.
Identifiers: ClinVar variation 2112300 (VCV002112300.4), dbSNP rs2549197942, ClinGen allele CA377292337.

ClinVar aggregate classification (germline): Pathogenic (1 of 4 stars; one submission).

Conditions:
Genitopatellar syndrome (GTPTS). Also called: ABSENT PATELLAE, SCROTAL HYPOPLASIA, RENAL ANOMALIES, FACIAL DYSMORPHISM, AND MENTAL RETARDATION; Genitopatellar syndrome (GPS). Identifiers: Orphanet 85201, MedGen C1853566, MONDO:0011640, OMIM 606170.

Submission:

Labcorp Genetics (formerly Invitae), Labcorp
Classification: Pathogenic for Genitopatellar syndrome. Last evaluated: 2022-03-15. Review status: criteria provided, single submitter. Criteria: Invitae Variant Classification Sherloc (09022015). Collection method: clinical testing. Allele origin: germline.
Comment: For these reasons, this variant has been classified as Pathogenic. This variant disrupts a region of the KAT6B protein in which other variant(s) (p.Ser1402Cysfs*5) have been determined to be pathogenic (PMID: 22077973, 25424711, 28696035). This suggests that this is a clinically significant region of the protein, and that variants that disrupt it are likely to be disease-causing. This variant has not been reported in the literature in individuals affected with KAT6B-related conditions. This variant is not present in population databases (gnomAD no frequency). This sequence change creates a premature translational stop signal (p.Gln1286*) in the KAT6B gene. While this is not anticipated to result in nonsense mediated decay, it is expected to disrupt the last 788 amino acid(s) of the KAT6B protein.

Literature cited by the submitters: PubMed 22077973; PubMed 25424711; PubMed 28696035.